The following is an entry in ClinVar:

ClinVar aggregate classification (germline): Uncertain significance (1 of 4 stars; one submission).

Submission:

Labcorp Genetics (formerly Invitae), Labcorp
Classification: Uncertain significance. Last evaluated: 2025-08-19. Review status: criteria provided, single submitter. Criteria: Invitae Variant Classification Sherloc (09022015). Collection method: clinical testing. Allele origin: germline.
Comment: This sequence change replaces leucine, which is neutral and non-polar, with isoleucine, which is neutral and non-polar, at codon 1039 of the C3 protein (p.Leu1039Ile). This variant is not present in population databases (gnomAD no frequency). This variant has not been reported in the literature in individuals affected with C3-related conditions. Invitae Evidence Modeling of protein sequence and biophysical properties (such as structural, functional, and spatial information, amino acid conservation, physicochemical variation, residue mobility, and thermodynamic stability) indicates that this missense variant is not expected to disrupt C3 protein function with a negative predictive value of 80%. In summary, the available evidence is currently insufficient to determine the role of this variant in disease. Therefore, it has been classified as a Variant of Uncertain Significance.

NM_000064.4(C3):c.3115C>A (p.Leu1039Ile)

Gene: C3 (complement C3; minus strand). Cytogenetic location: 19p13.3.
Variant type: single nucleotide variant.
Coding change: c.3115C>A on transcript NM_000064.4 (MANE Select); coding-DNA position 3115, C replaced by A.
Protein change: p.Leu1039Ile; replaces leucine 1039 with isoleucine.
Molecular consequence: missense variant.
Genome position (GRCh38, 1-based): chr19:6,694,470, G>T on the plus strand (C>A on the coding strand, the complement: C3 is on the minus strand). VCF-style: chr19-6694470-G-T. GRCh37 (hg19) VCF-style: chr19-6694481-G-T.
Other names: short protein forms L1039I.
Identifiers: ClinVar variation 4743103 (VCV004743103.1).